The following is an entry in ClinVar:

ClinVar aggregate classification (germline): Uncertain significance (1 of 4 stars; one submission).

Conditions:
BBS7-related disorder. Also called: BBS7-related condition.

Submission:

PreventionGenetics, part of Exact Sciences
Classification: Uncertain significance for BBS7-related condition. Last evaluated: 2025-05-25. Review status: criteria provided, single submitter. Criteria: ACMG Guidelines, 2015. Collection method: clinical testing. Allele origin: germline.
Comment: The BBS7 c.1339T>G variant is predicted to result in the amino acid substitution p.Cys447Gly. To our knowledge, this variant has not been reported in the literature or in a large population database (gnomAD), indicating this variant is rare. At this time, the clinical significance of this variant is uncertain due to the absence of conclusive functional and genetic evidence.

NM_176824.3(BBS7):c.1339T>G (p.Cys447Gly)

Gene: BBS7 (Bardet-Biedl syndrome 7; minus strand). Cytogenetic location: 4q27.
Variant type: single nucleotide variant.
Coding change: c.1339T>G on transcript NM_176824.3 (MANE Select); coding-DNA position 1339, T replaced by G.
Protein change: p.Cys447Gly; replaces cysteine 447 with glycine.
Molecular consequence: missense variant.
Genome position (GRCh38, 1-based): chr4:121,839,663, A>C on the plus strand (T>G on the coding strand, the complement: BBS7 is on the minus strand). VCF-style: chr4-121839663-A-C. GRCh37 (hg19) VCF-style: chr4-122760818-A-C.
Other names: c.1339T>G, p.Cys447Gly (NM_018190.4); short protein forms C447G.
Identifiers: ClinVar variation 5000944 (VCV005000944.1).
Genomic context (GRCh38, chr4:121,839,663, plus strand): 5'-AAGTAAAGGTAATTTCTAATATTTTTACCTTGAGTTCCAGCCTTGTAGTATCTGCCTGGC[A>C]CCGATAAGTGGCAAGAAGGAAGTTGTCGTTTGACTGGGAAGAATACAAAGTGGAGGAAAA-3'
Protein context (NP_789794.1, residues 437-457): NDNFLLATYR[Cys447Gly]QADTTRLELK